The following is an entry in ClinVar:

NM_001349338.3(FOXP1):c.320T>C (p.Ile107Thr)

Gene: FOXP1 (forkhead box P1; minus strand). Cytogenetic location: 3p13.
Variant type: single nucleotide variant.
Coding change: c.320T>C on transcript NM_001349338.3 (MANE Select); coding-DNA position 320, T replaced by C.
Protein change: p.Ile107Thr; replaces isoleucine 107 with threonine.
Molecular consequence: missense variant. On other transcripts: non-coding transcript variant (2), intron variant (1).
Genome position (GRCh38, 1-based): chr3:71,053,736, A>G on the plus strand (T>C on the coding strand, the complement: FOXP1 is on the minus strand). VCF-style: chr3-71053736-A-G. GRCh37 (hg19) VCF-style: chr3-71102887-A-G.
Other names: c.320T>C, p.Ile107Thr (NM_001244808.3, NM_001244810.2, NM_001244814.3 and 5 more transcripts); c.20T>C, p.Ile7Thr (NM_001244813.3, NM_001244815.2, NM_001349337.2 and 4 more transcripts); c.283-6641T>C (NM_001244812.3); short protein forms I107T, I7T.
Identifiers: ClinVar variation 2499939 (VCV002499939.2), dbSNP rs2050224807, ClinGen allele CA353564090.
Genomic context (GRCh38, chr3:71,053,736, plus strand): 5'-TGGAGCTGCTGAGGGCTCAGCACTTGTTGCTGGAGGATCTGCTGCATTTGCTGGGGAGTG[A>G]TAACTTGAGGTGTCATCATAGCCACTGACACGGGAACCTAGAATGTTAATGAAGGATAAA-3'
Protein context (NP_001336267.1, residues 97-117): VSVAMMTPQV[Ile107Thr]TPQQMQQILQ

ClinVar aggregate classification (germline): Uncertain significance. Review status: criteria provided, multiple submitters, no conflicts (2 of 4 stars). 2 submissions from 2 submitters: Uncertain significance (2). Last evaluated 2024-05-29.

Allele frequency attached by ClinVar (database versions not stated): TOPMed below 0.00001; gnomAD exomes 0.00001.
gnomAD v4.1: 4 of 1,614,066 alleles (0.00025%); highest among the groups gnomAD compares: East Asian, 0.0022%; no homozygotes.

Submissions (2):

Blueprint Genetics
Classification: Uncertain significance. Last evaluated: 2024-05-29. Review status: criteria provided, single submitter. Criteria: ACMG Guidelines, 2015. Collection method: clinical testing. Allele origin: germline.

GeneDx
Classification: Uncertain significance. Last evaluated: 2022-10-24. Review status: criteria provided, single submitter. Criteria: GeneDx Variant Classification Process June 2021. Collection method: clinical testing. Allele origin: germline. Affected: yes.
Comment: Published functional studies demonstrate no damaging effect, as protein expression, nuclear localization, and transcriptional control were comparable to wild type (Sollis et al., 2016); Not observed at significant frequency in large population cohorts (gnomAD); In silico analysis supports that this missense variant has a deleterious effect on protein structure/function; This variant is associated with the following publications: (PMID: 24083349, 26647308)